The following is an entry in ClinVar:

ClinVar aggregate classification (germline): Uncertain significance. Review status: criteria provided, multiple submitters, no conflicts (2 of 4 stars). 2 submissions from 2 submitters: Uncertain significance (2). Last evaluated 2025-05-25.

Conditions:
Fanconi anemia (FA). Also called: Fanconi's anemia. Identifiers: Orphanet 84, MedGen C0015625, MeSH D005199, MONDO:0019391.
Inborn genetic diseases. Identifiers: MedGen C0950123, MeSH D030342.

Allele frequency attached by ClinVar (database versions not stated): gnomAD exomes below 0.00001.
gnomAD v4.1: 1 of 1,612,664 alleles (0.000062%); highest among the groups gnomAD compares: Non-Finnish European, 0.000085%; no homozygotes.

Submissions (2):

Ambry Genetics
Classification: Uncertain significance for Inborn genetic diseases. Last evaluated: 2025-05-25. Review status: criteria provided, single submitter. Criteria: Ambry Variant Classification Scheme 2023. Collection method: clinical testing. Allele origin: germline.
Comment: The p.R324T variant (also known as c.971G>C), located in coding exon 5 of the FANCM gene, results from a G to C substitution at nucleotide position 971. The arginine at codon 324 is replaced by threonine, an amino acid with similar properties. This amino acid position is conserved. In addition, this alteration is predicted to be tolerated by in silico analysis. Based on the available evidence, the clinical significance of this variant remains unclear.

Labcorp Genetics (formerly Invitae), Labcorp
Classification: Uncertain significance for Fanconi anemia. Last evaluated: 2023-02-11. Review status: criteria provided, single submitter. Criteria: Invitae Variant Classification Sherloc (09022015). Collection method: clinical testing. Allele origin: germline.
Comment: In summary, the available evidence is currently insufficient to determine the role of this variant in disease. Therefore, it has been classified as a Variant of Uncertain Significance. Algorithms developed to predict the effect of missense changes on protein structure and function (SIFT, PolyPhen-2, Align-GVGD) all suggest that this variant is likely to be tolerated. ClinVar contains an entry for this variant (Variation ID: 1403888). This variant has not been reported in the literature in individuals affected with FANCM-related conditions. This variant is not present in population databases (gnomAD no frequency). This sequence change replaces arginine, which is basic and polar, with threonine, which is neutral and polar, at codon 324 of the FANCM protein (p.Arg324Thr).

NM_020937.4(FANCM):c.971G>C (p.Arg324Thr)

Gene: FANCM (FA complementation group M; plus strand). Cytogenetic location: 14q21.2.
Variant type: single nucleotide variant.
Coding change: c.971G>C on transcript NM_020937.4 (MANE Select); coding-DNA position 971, G replaced by C.
Protein change: p.Arg324Thr; replaces arginine 324 with threonine.
Molecular consequence: missense variant.
Genome position (GRCh38, 1-based): chr14:45,151,449, G>C. VCF-style: chr14-45151449-G-C. GRCh37 (hg19) VCF-style: chr14-45620652-G-C.
Other names: c.893G>C, p.Arg298Thr (NM_001308133.2); c.971G>C, p.Arg324Thr (NM_001308134.2); c.971G>C (NM_020937.2); short protein forms R298T, R324T.
Identifiers: ClinVar variation 1403888 (VCV001403888.9), dbSNP rs2139160191, ClinGen allele CA389590582.